The following is an entry in ClinVar:

NM_006269.2(RP1):c.71C>T (p.Pro24Leu)

Gene: RP1 (RP1 axonemal microtubule associated; plus strand). Cytogenetic location: 8q12.1.
Variant type: single nucleotide variant.
Coding change: c.71C>T on transcript NM_006269.2 (MANE Select); coding-DNA position 71, C replaced by T.
Protein change: p.Pro24Leu; replaces proline 24 with leucine.
Molecular consequence: missense variant.
Genome position (GRCh38, 1-based): chr8:54,621,037, C>T. VCF-style: chr8-54621037-C-T. GRCh37 (hg19) VCF-style: chr8-55533597-C-T.
Other names: c.71C>T, p.Pro24Leu (NM_001375654.1); short protein forms P24L.
Identifiers: ClinVar variation 1900451 (VCV001900451.5), dbSNP rs2129314077, ClinGen allele CA370985377.

ClinVar aggregate classification (germline): Uncertain significance (1 of 4 stars; one submission).

gnomAD v4.1: 1 of 1,614,186 alleles (0.000062%); highest among the groups gnomAD compares: Non-Finnish European, 0.000085%; no homozygotes.

Submission:

Labcorp Genetics (formerly Invitae), Labcorp
Classification: Uncertain significance. Last evaluated: 2022-08-21. Review status: criteria provided, single submitter. Criteria: Invitae Variant Classification Sherloc (09022015). Collection method: clinical testing. Allele origin: germline.
Comment: In summary, the available evidence is currently insufficient to determine the role of this variant in disease. Therefore, it has been classified as a Variant of Uncertain Significance. Algorithms developed to predict the effect of missense changes on protein structure and function output the following: SIFT: "Tolerated"; PolyPhen-2: "Benign"; Align-GVGD: "Class C0". The leucine amino acid residue is found in multiple mammalian species, which suggests that this missense change does not adversely affect protein function. This variant has not been reported in the literature in individuals affected with RP1-related conditions. This variant is not present in population databases (gnomAD no frequency). This sequence change replaces proline, which is neutral and non-polar, with leucine, which is neutral and non-polar, at codon 24 of the RP1 protein (p.Pro24Leu).